The following is an entry in ClinVar:

NM_173354.5(SIK1):c.2165C>A (p.Ala722Asp)

Gene: SIK1 (salt inducible kinase 1; minus strand). Cytogenetic location: 21q22.3.
Variant type: single nucleotide variant.
Coding change: c.2165C>A on transcript NM_173354.5 (MANE Select); coding-DNA position 2165, C replaced by A.
Protein change: p.Ala722Asp; replaces alanine 722 with aspartic acid.
Molecular consequence: missense variant.
Genome position (GRCh38, 1-based): chr21:43,416,929, G>T on the plus strand (C>A on the coding strand, the complement: SIK1 is on the minus strand). VCF-style: chr21-43416929-G-T. GRCh37 (hg19) VCF-style: chr21-44836809-G-T.
Other names: short protein forms A722D.
Identifiers: ClinVar variation 1003520 (VCV001003520.9), dbSNP rs2081034398, ClinGen allele CA410606534.
Genomic context (GRCh38, chr21:43,416,929, plus strand): 5'-GGGAGGGCGGTGGGGCCGGTGCCAATGTGCAGGTGTGTGTCCAGGAGCTGCGCCGCTGAG[G>T]CCACCGGGGACGCGCCGGTCTGCAGGAGTGGGGGCGGCAGCAGCGGGAGCCCCGACGTGA-3'
Protein context (NP_775490.2, residues 712-732): PLLQTGASPV[Ala722Asp]SAAQLLDTHL

ClinVar aggregate classification (germline): Uncertain significance (1 of 4 stars; one submission).

Conditions:
Developmental and epileptic encephalopathy, 30 (DEE30). Also called: Epileptic encephalopathy, early infantile, 30. Identifiers: MedGen C4225360, MONDO:0014595, OMIM 616341.

Submission:

Labcorp Genetics (formerly Invitae), Labcorp
Classification: Uncertain significance for Developmental and epileptic encephalopathy, 30. Last evaluated: 2025-10-13. Review status: criteria provided, single submitter. Criteria: Invitae Variant Classification Sherloc (09022015). Collection method: clinical testing. Allele origin: germline.
Comment: This sequence change replaces alanine, which is neutral and non-polar, with aspartic acid, which is acidic and polar, at codon 722 of the SIK1 protein (p.Ala722Asp). This variant is not present in population databases (gnomAD no frequency). This variant has not been reported in the literature in individuals affected with SIK1-related conditions. ClinVar contains an entry for this variant (Variation ID: 1003520). Invitae Evidence Modeling of protein sequence and biophysical properties (such as structural, functional, and spatial information, amino acid conservation, physicochemical variation, residue mobility, and thermodynamic stability) indicates that this missense variant is not expected to disrupt SIK1 protein function with a negative predictive value of 95%. In summary, the available evidence is currently insufficient to determine the role of this variant in disease. Therefore, it has been classified as a Variant of Uncertain Significance.